The following is an entry in ClinVar:

ClinVar aggregate classification (germline): Likely pathogenic (1 of 4 stars; one submission).

Conditions:
Wilms tumor 1 (WT1). Also called: Wilms tumor, somatic. Identifiers: Orphanet 654, MedGen CN033288, MONDO:0008679, OMIM 194070.

Submission:

Human Genome Sequencing Center Clinical Lab, Baylor College of Medicine
Classification: Likely pathogenic for Wilms tumor, type 1. Last evaluated: 2018-10-15. Review status: criteria provided, single submitter. Criteria: ACMG Guidelines, 2015. Collection method: clinical testing. Allele origin: germline.
Comment: This c.1127delC (p.Pro376Argfs*73) variant in exon 7 of the WT1 gene results in an early stop codon. Loss of functions mutations in the WT1 gene are known to be a disease-causing mechanism. It has not been observed in the population databases dbSNP and gnomAD (and gnomAD). Therefore, the c.1127delC (p.Pro376Argfs*73) variant in the WT1 gene has been classified as a likely pathogenic variant.

NM_024426.6(WT1):c.1142del (p.Pro381fs)

Gene: WT1 (WT1 transcription factor; minus strand). Cytogenetic location: 11p13.
Variant type: Deletion.
Coding change: c.1142del on transcript NM_024426.6 (MANE Select); coding-DNA position 1142, one base deleted (C; older notation c.1142delC).
Protein change: p.Pro381fs; shifts the reading frame from proline 381.
Molecular consequence: frameshift variant. On other transcripts: 5 prime UTR variant (1), non-coding transcript variant (1).
Genome position (GRCh38, 1-based): chr11:32,396,379, G deleted on the plus strand (C on the coding strand, the reverse complement: WT1 is on the minus strand); the first of 4 consecutive G bases (chr11:32,396,379-32,396,382); deleting any one gives the same sequence. VCF-style (leftmost placement, unchanged base first): chr11-32396378-CG-C. GRCh37 (hg19) VCF-style: chr11-32417924-CG-C.
Other names: c.1091del, p.Pro364fs (NM_000378.6); c.488delC, p.Pro164Argfs (NM_001198551.2); c.440del, p.Pro147fs (NM_001198552.2); c.-47del (NM_001367854.1); c.1133delC, p.Pro379Argfs (NM_001407044.1); c.1088delC, p.Pro364Argfs (NM_001407045.1, NM_001407048.1, NM_001407049.1); c.1139delC, p.Pro381Argfs (NM_001407046.1); c.1016delC, p.Pro340Argfs (NM_001407047.1); and 4 more; short protein forms P147fs, P164fs, P364fs, P381fs.
Identifiers: ClinVar variation 979072 (VCV000979072.2), dbSNP rs1564972993, ClinGen allele CA913188347.